The following is an entry in ClinVar:

NM_012210.4(TRIM32):c.978C>T (p.Asp326=)

Genes: ASTN2 (astrotactin 2; minus strand), TRIM32 (tripartite motif containing 32; plus strand). Cytogenetic location: 9q33.1.
Variant type: single nucleotide variant.
Coding change: c.978C>T on transcript NM_012210.4 (MANE Select); coding-DNA position 978, C replaced by T.
Protein change: p.Asp326=; no amino-acid change (aspartic acid 326 retained).
Molecular consequence: synonymous variant. On other transcripts: intron variant (3).
Genome position (GRCh38, 1-based): chr9:116,698,720, C>T. VCF-style: chr9-116698720-C-T. GRCh37 (hg19) VCF-style: chr9-119460999-C-T.
Other names: c.978C>T, p.Asp326= (NM_001099679.2, NM_001379048.1, NM_001379049.1 and 1 more transcripts); c.2653+27051G>A (NM_014010.5); c.2794+27051G>A (NM_001365069.1); c.2806+27051G>A (NM_001365068.1).
Identifiers: ClinVar variation 976597 (VCV000976597.15), dbSNP rs759707001, ClinGen allele CA5211081.
Genomic context (GRCh38, chr9:116,698,720, plus strand): 5'-CTGGGCCATGGAGGCCACAGCGTCTGCTGCCTCTACCTCTGTTACTTTTAGAGAGATGGA[C>T]ATGAGCCCGGAGGAAGTGGTTGCCAGCCCTAGGGCCTCACCTGCTAAACAGCGGGGTCCT-3'
Protein context (NP_036342.2, residues 316-336): ASTSVTFREM[Asp326=]MSPEEVVASP

ClinVar aggregate classification (germline): Conflicting classifications of pathogenicity. Review status: criteria provided, conflicting classifications (1 of 4 stars). 5 submissions from 4 submitters: Uncertain significance (2); Likely benign (2). 1 of the submissions does not count toward it. Last evaluated 2025-10-01.

Conditions:
Sarcotubular myopathy (LGMDR8). Also called: Limb-girdle muscular dystrophy, type 2H; Hutterite type of muscular dystrophy; Autosomal recessive limb-girdle muscular dystrophy type 2H; MUSCULAR DYSTROPHY, LIMB-GIRDLE, AUTOSOMAL RECESSIVE 8. Identifiers: Orphanet 1878, MedGen C0270968, MONDO:0009683, OMIM 254110.
Bardet-Biedl syndrome 11 (BBS11). Identifiers: Orphanet 110, MedGen C1859569, MONDO:0014439, OMIM 615988.
TRIM32-related disorder. Also called: TRIM32-related condition.
Bardet-Biedl syndrome (BBS). Identifiers: Orphanet 110, MedGen C0752166, MONDO:0015229.

Allele frequency attached by ClinVar (database versions not stated): gnomAD 0.00002; gnomAD exomes 0.00002 and 0.00004; TOPMed 0.00002; ExAC 0.00007.
gnomAD v4.1: 36 of 1,614,088 alleles (0.0022%); highest among the groups gnomAD compares: Admixed American, 0.0033%; no homozygotes.

Submissions (5):

Labcorp Genetics (formerly Invitae), Labcorp
Classification: Likely benign for Bardet-Biedl syndrome. Last evaluated: 2025-10-01. Review status: criteria provided, single submitter. Criteria: Invitae Variant Classification Sherloc (09022015). Collection method: clinical testing. Allele origin: germline.

Blueprint Genetics
Classification: Likely benign. Last evaluated: 2023-11-08. Review status: criteria provided, single submitter. Criteria: ACMG Guidelines, 2015. Collection method: clinical testing. Allele origin: germline.

Illumina Laboratory Services, Illumina
Classification: Uncertain significance for Bardet-Biedl syndrome 11. Last evaluated: 2017-04-27. Review status: criteria provided, single submitter. Criteria: ICSL Variant Classification Criteria 13 December 2019. Collection method: clinical testing. Allele origin: germline.

Illumina Laboratory Services, Illumina
Classification: Uncertain significance for Sarcotubular myopathy. Last evaluated: 2017-04-27. Review status: criteria provided, single submitter. Criteria: ICSL Variant Classification Criteria 13 December 2019. Collection method: clinical testing. Allele origin: germline.

PreventionGenetics, part of Exact Sciences
Classification: Likely benign for TRIM32-related condition. Last evaluated: 2024-07-24. Review status: no assertion criteria provided. Collection method: clinical testing. Allele origin: germline. Not counted in ClinVar's aggregate classification.
Comment: This variant is classified as likely benign based on ACMG/AMP sequence variant interpretation guidelines (Richards et al. 2015 PMID: 25741868, with internal and published modifications).